The following is an entry in ClinVar:

NM_198334.3(GANAB):c.1586A>C (p.Asn529Thr)

Gene: GANAB (glucosidase II alpha subunit; minus strand). Cytogenetic location: 11q12.3.
Variant type: single nucleotide variant.
Coding change: c.1586A>C on transcript NM_198334.3 (MANE Select); coding-DNA position 1586, A replaced by C.
Protein change: p.Asn529Thr; replaces asparagine 529 with threonine.
Molecular consequence: missense variant.
Genome position (GRCh38, 1-based): chr11:62,630,204, T>G on the plus strand (A>C on the coding strand, the complement: GANAB is on the minus strand). VCF-style: chr11-62630204-T-G. GRCh37 (hg19) VCF-style: chr11-62397676-T-G.
Other names: c.1310A>C, p.Asn437Thr (NM_001278192.2); c.1244A>C, p.Asn415Thr (NM_001278193.2); c.1295A>C, p.Asn432Thr (NM_001278194.2, NM_001329222.2, NM_001329223.2); c.863A>C, p.Asn288Thr (NM_001329224.2, NM_001329225.2); c.1652A>C, p.Asn551Thr (NM_198335.4); short protein forms N415T, N437T, N551T, N288T, N529T, N432T.
Identifiers: ClinVar variation 1032597 (VCV001032597.1), dbSNP rs1943599983, ClinGen allele CA380992366.
Genomic context (GRCh38, chr11:62,630,204, plus strand): 5'-AGGGAGGCAGGTGGAACAGACAGACGCAGGTCATGGGGAGAGGCCTTCCCTACCTCATAA[T>G]TGTCATAGCTGAACATGTTAGCCCACCAGGCCCTCATCGTGGGATTAGTGAAGTCAGGGT-3'
Protein context (NP_938148.1, residues 519-539): AWWANMFSYD[Asn529Thr]YEGSAPNLFV

ClinVar aggregate classification (germline): Uncertain significance (1 of 4 stars; one submission).

Conditions:
Polycystic kidney disease 3 with or without polycystic liver disease. Also called: Polycystic kidney disease 3; Polycystic Kidney and/or Polycystic Liver Disease 3; POLYCYSTIC KIDNEY DISEASE, ADULT, TYPE III. Identifiers: MedGen C3887964, MONDO:0010916, OMIM 600666.

Submission:

Baylor Genetics
Classification: Uncertain significance for Polycystic kidney disease 3 with or without polycystic liver disease. Last evaluated: 2018-10-28. Review status: criteria provided, single submitter. Criteria: ACMG Guidelines, 2015. Collection method: clinical testing. Allele origin: paternal. Affected: yes.
Comment: This variant was determined to be of uncertain significance according to ACMG Guidelines, 2015 [PMID:25741868].